The following is an entry in ClinVar:

ClinVar aggregate classification (germline): Pathogenic (1 of 4 stars; one submission).

Conditions:
Hereditary cancer-predisposing syndrome. Also called: Hereditary Cancer Syndrome; Tumor predisposition; Neoplastic Syndromes, Hereditary; Hereditary neoplastic syndrome. Identifiers: Orphanet 140162, MedGen C0027672, MeSH D009386, MONDO:0015356.

Submission:

Ambry Genetics
Classification: Pathogenic for Hereditary cancer-predisposing syndrome. Last evaluated: 2025-12-15. Review status: criteria provided, single submitter. Criteria: Ambry Variant Classification Scheme 2023. Collection method: clinical testing. Allele origin: germline.
Comment: The c.3254_3255delCCinsA pathogenic mutation, located in coding exon 5 of the MSH6 gene, results from the deletion of two nucleotides and insertion of one nucleotide causing a translational frameshift with a predicted alternate stop codon (p.T1085Nfs*5). This variant is considered to be rare based on population cohorts in the Genome Aggregation Database (gnomAD). This alteration is expected to result in loss of function by premature protein truncation or nonsense-mediated mRNA decay. As such, this alteration is interpreted as a disease-causing mutation.

NM_000179.3(MSH6):c.3254_3255delinsA (p.Thr1085fs)

Gene: MSH6 (mutS homolog 6; plus strand). Cytogenetic location: 2p16.3.
Variant type: Indel.
Coding change: c.3254_3255delinsA on transcript NM_000179.3 (MANE Select); coding-DNA positions 3254 to 3255, CC replaced by A.
Protein change: p.Thr1085fs; shifts the reading frame from threonine 1085.
Molecular consequence: frameshift variant.
Genome position (GRCh38, 1-based): chr2:47,803,501-47,803,502, CC replaced by A. VCF-style: chr2-47803501-CC-A. GRCh37 (hg19) VCF-style: chr2-48030640-CC-A.
Other names: c.2864_2865delinsA, p.Thr955fs (NM_001281492.2); c.2348_2349delinsA, p.Thr783fs (NM_001281493.2, NM_001281494.2); short protein forms T783fs, T1085fs, T955fs.
Identifiers: ClinVar variation 823313 (VCV000823313.5), dbSNP rs1553331378, ClinGen allele CA915943950.